The following is an entry in ClinVar:

NM_000038.6(APC):c.-18-2063G>A

Gene: APC (APC regulator of WNT signaling pathway; plus strand). Cytogenetic location: 5q22.2.
Variant type: single nucleotide variant.
Coding change: c.-18-2063G>A on transcript NM_000038.6 (MANE Select); 2063 bases into the intron before 18 bases upstream of the start codon, G replaced by A.
Molecular consequence: intron variant.
Genome position (GRCh38, 1-based): chr5:112,752,810, G>A. VCF-style: chr5-112752810-G-A. GRCh37 (hg19) VCF-style: chr5-112088507-G-A.
Other names: c.-18-2063G>A (NM_001354895.2, NM_001127510.3, NM_001354896.2 and 2 more transcripts); c.166-13516G>A (NM_001354897.2, NM_001354902.2, NM_001127511.3); c.61-13516G>A (NM_001354898.2, NM_001354904.2); c.-1053-2063G>A (NM_001354906.2); c.-42-13516G>A (NM_001354900.2, NM_001354901.2, NM_001354905.2).
Identifiers: ClinVar variation 82807 (VCV000082807.2), dbSNP rs4705617, ClinGen allele CA006040.

ClinVar aggregate classification (germline): other (0 of 4 stars; one submission).

Conditions:
Familial colorectal cancer. Identifiers: MedGen CN280943, MONDO:0023113. Disease mechanism: loss of function.

Allele frequency attached by ClinVar (database versions not stated): TOPMed 0.98026; 1000 Genomes Project 30x 0.98048; gnomAD 0.98086 and 0.98225; 1000 Genomes Project 0.98223.
gnomAD v4.1: 149,563 of 152,228 alleles (98%); highest among the groups gnomAD compares: Middle Eastern, 100%; 73,532 homozygotes.

Submission:

Systems Biology Platform Zhejiang California International NanoSystems Institute
Classification: other for Familial colorectal cancer. Review status: no assertion criteria provided. Collection method: not provided. Allele origin: unknown.
ClinVar note: Converted during submission from cancer to other.